The following is an entry in ClinVar:

ClinVar aggregate classification (germline): Uncertain significance (1 of 4 stars; one submission).

Conditions:
Hereditary cancer-predisposing syndrome. Also called: Tumor predisposition; Hereditary Cancer Syndrome; Hereditary neoplastic syndrome; Neoplastic Syndromes, Hereditary. Identifiers: Orphanet 140162, MedGen C0027672, MeSH D009386, MONDO:0015356.

Submission:

Ambry Genetics
Classification: Uncertain significance for Hereditary cancer-predisposing syndrome. Last evaluated: 2024-06-15. Review status: criteria provided, single submitter. Criteria: Ambry Variant Classification Scheme 2023. Collection method: clinical testing. Allele origin: germline.
Comment: The p.C995F variant (also known as c.2984G>T), located in coding exon 18 of the ALK gene, results from a G to T substitution at nucleotide position 2984. The cysteine at codon 995 is replaced by phenylalanine, an amino acid with highly dissimilar properties. This amino acid position is conserved. In addition, this alteration is predicted to be deleterious by in silico analysis. Based on the available evidence, the clinical significance of this variant remains unclear.

NM_004304.5(ALK):c.2984G>T (p.Cys995Phe)

Gene: ALK (ALK receptor tyrosine kinase; minus strand). Cytogenetic location: 2p23.2.
Variant type: single nucleotide variant.
Coding change: c.2984G>T on transcript NM_004304.5 (MANE Select); coding-DNA position 2984, G replaced by T.
Protein change: p.Cys995Phe; replaces cysteine 995 with phenylalanine.
Molecular consequence: missense variant.
Genome position (GRCh38, 1-based): chr2:29,227,005, C>A on the plus strand (G>T on the coding strand, the complement: ALK is on the minus strand). VCF-style: chr2-29227005-C-A. GRCh37 (hg19) VCF-style: chr2-29449871-C-A.
Other names: short protein forms C995F.
Identifiers: ClinVar variation 3286520 (VCV003286520.1).
Genomic context (GRCh38, chr2:29,227,005, plus strand): 5'-GCCAGCACCGTCCCGTGGTCACAGAAGCAGATGACCTTGTGGCTTTCAGGGTCCATGTGA[C>A]ATTCGTCTACCTCACAGTGACTGCAGTTTAGATAATGCTTAATATTCACTTCCCCGTGGC-3'
Protein context (NP_004295.2, residues 985-1005): LNCSHCEVDE[Cys995Phe]HMDPESHKVI